The following is an entry in ClinVar:

NM_001375380.1(EBF3):c.291+1G>A

Gene: EBF3 (EBF transcription factor 3; minus strand). Cytogenetic location: 10q26.3.
Variant type: single nucleotide variant.
Coding change: c.291+1G>A on transcript NM_001375380.1 (MANE Select); the canonical splice donor site of the intron after coding-DNA position 291, G replaced by A.
Molecular consequence: splice donor variant.
Genome position (GRCh38, 1-based): chr10:129,963,366, C>T on the plus strand (G>A on the coding strand, the complement: EBF3 is on the minus strand). VCF-style: chr10-129963366-C-T. GRCh37 (hg19) VCF-style: chr10-131761630-C-T.
Other names: c.291+1G>A (NM_001375392.1, NM_001005463.3, NM_001375390.1 and 3 more transcripts).
Identifiers: ClinVar variation 1098317 (VCV001098317.2), dbSNP rs2134658539, ClinGen allele CA378911087.

ClinVar aggregate classification (germline): Pathogenic (1 of 4 stars; one submission).

Submission:

Genetics Laboratory, UDIAT-Centre Diagnòstic, Hospital Universitari Parc Tauli
Classification: Pathogenic. Last evaluated: 2021-04-26. Review status: criteria provided, single submitter. Criteria: Parc Tauli Hospital Assertion Criteria 2021. Collection method: clinical testing. Allele origin: inherited. Inheritance: Autosomal dominant inheritance. Affected: yes. Observed: 1 heterozygote.
Comment: PVS1_very strong;PM2_supporting;PP1_supporting